The following is an entry in ClinVar:

NM_001231.5(CASQ1):c.883+19G>A

Gene: CASQ1 (calsequestrin 1; plus strand). Cytogenetic location: 1q23.2.
Variant type: single nucleotide variant.
Coding change: c.883+19G>A on transcript NM_001231.5 (MANE Select); 19 bases into the intron after coding-DNA position 883, G replaced by A.
Molecular consequence: intron variant.
Genome position (GRCh38, 1-based): chr1:160,198,750, G>A. VCF-style: chr1-160198750-G-A. GRCh37 (hg19) VCF-style: chr1-160168540-G-A.
Identifiers: ClinVar variation 2969563 (VCV002969563.3), dbSNP rs1471094514, ClinGen allele CA421361624.
Genomic context (GRCh38, chr1:160,198,750, plus strand): 5'-ATGGAATCCACATTGTGGCCTTCGCAGAGGAAGCTGATCCTGGTGAGGGAGGAATACCGG[G>A]TTGGACTGGAGGGAAGGCAGGGGGAGGTGGGTGTGTTTATTGGAGCATGGGCCTCACTAG-3'

ClinVar aggregate classification (germline): Uncertain significance (1 of 4 stars; one submission).

Allele frequency attached by ClinVar (database versions not stated): gnomAD exomes below 0.00001; TOPMed 0.00001.
gnomAD v4.1: 8 of 1,610,344 alleles (0.0005%); highest among the groups gnomAD compares: East Asian, 0.0045%; no homozygotes.

Submission:

Labcorp Genetics (formerly Invitae), Labcorp
Classification: Uncertain significance. Last evaluated: 2023-01-18. Review status: criteria provided, single submitter. Criteria: Invitae Variant Classification Sherloc (09022015). Collection method: clinical testing. Allele origin: germline.
Comment: In summary, the available evidence is currently insufficient to determine the role of this variant in disease. Therefore, it has been classified as a Variant of Uncertain Significance. Algorithms developed to predict the effect of sequence changes on RNA splicing suggest that this variant may create or strengthen a splice site. This variant has not been reported in the literature in individuals affected with CASQ1-related conditions. This variant is present in population databases (no rsID available, gnomAD 0.006%). This sequence change falls in intron 8 of the CASQ1 gene. It does not directly change the encoded amino acid sequence of the CASQ1 protein.